The following is an entry in ClinVar:

NM_020937.4(FANCM):c.5282C>T (p.Pro1761Leu)

Gene: FANCM (FA complementation group M; plus strand). Cytogenetic location: 14q21.2.
Variant type: single nucleotide variant.
Coding change: c.5282C>T on transcript NM_020937.4 (MANE Select); coding-DNA position 5282, C replaced by T.
Protein change: p.Pro1761Leu; replaces proline 1761 with leucine.
Molecular consequence: missense variant.
Genome position (GRCh38, 1-based): chr14:45,189,304, C>T. VCF-style: chr14-45189304-C-T. GRCh37 (hg19) VCF-style: chr14-45658507-C-T.
Other names: c.5204C>T, p.Pro1735Leu (NM_001308133.2); c.5282C>T (NM_020937.2); short protein forms P1735L, P1761L.
Identifiers: ClinVar variation 830263 (VCV000830263.6), dbSNP rs1395216158, ClinGen allele CA389613200.

ClinVar aggregate classification (germline): Uncertain significance. Review status: criteria provided, multiple submitters, no conflicts (2 of 4 stars). 3 submissions from 3 submitters: Uncertain significance (3). Last evaluated 2025-03-07.

Conditions:
Inborn genetic diseases. Identifiers: MedGen C0950123, MeSH D030342.
Fanconi anemia (FA). Also called: Fanconi's anemia. Identifiers: Orphanet 84, MedGen C0015625, MeSH D005199, MONDO:0019391.
Hereditary breast ovarian cancer syndrome. Also called: Hereditary breast and/or ovarian cancer syndrome; Hereditary breast and ovarian cancer syndrome (HBOC); Breast and ovarian cancer; Hereditary breast and ovarian cancer; BRCA1- and BRCA2-Associated Hereditary Breast and Ovarian Cancer; Hereditary breast and ovarian cancer syndrome. Identifiers: Orphanet 145, MedGen C0677776, MeSH D061325, MONDO:0003582. Disease mechanism: loss of function.

Allele frequency attached by ClinVar (database versions not stated): gnomAD exomes below 0.00001 and 0.00001.
gnomAD v4.1: 5 of 1,613,842 alleles (0.00031%); highest among the groups gnomAD compares: East Asian, 0.0089%; 1 homozygote.

Submissions (3):

Ambry Genetics
Classification: Uncertain significance for Inborn genetic diseases. Last evaluated: 2025-03-07. Review status: criteria provided, single submitter. Criteria: Ambry Variant Classification Scheme 2023. Collection method: clinical testing. Allele origin: germline.
Comment: The p.P1761L variant (also known as c.5282C>T), located in coding exon 20 of the FANCM gene, results from a C to T substitution at nucleotide position 5282. The proline at codon 1761 is replaced by leucine, an amino acid with similar properties. This amino acid position is conserved. In addition, this alteration is predicted to be tolerated by in silico analysis. Based on the available evidence, the clinical significance of this variant remains unclear.

Labcorp Genetics (formerly Invitae), Labcorp
Classification: Uncertain significance for Fanconi anemia. Last evaluated: 2023-08-07. Review status: criteria provided, single submitter. Criteria: Invitae Variant Classification Sherloc (09022015). Collection method: clinical testing. Allele origin: germline.
Comment: ClinVar contains an entry for this variant (Variation ID: 830263). In summary, the available evidence is currently insufficient to determine the role of this variant in disease. Therefore, it has been classified as a Variant of Uncertain Significance. Algorithms developed to predict the effect of missense changes on protein structure and function output the following: SIFT: "Not Available"; PolyPhen-2: "Benign"; Align-GVGD: "Not Available". The leucine amino acid residue is found in multiple mammalian species, which suggests that this missense change does not adversely affect protein function. This variant has not been reported in the literature in individuals affected with FANCM-related conditions. This variant is present in population databases (no rsID available, gnomAD 0.003%). This sequence change replaces proline, which is neutral and non-polar, with leucine, which is neutral and non-polar, at codon 1761 of the FANCM protein (p.Pro1761Leu).

Cancer Genomics Group, Japanese Foundation For Cancer Research
Classification: Uncertain significance for Hereditary breast and ovarian cancer syndrome. Last evaluated: 2019-05-01. Review status: criteria provided, single submitter. Criteria: ACMG Guidelines, 2015. Collection method: research. Allele origin: germline. Affected: yes.